The following is an entry in ClinVar:

ClinVar aggregate classification (germline): Conflicting classifications of pathogenicity. Review status: criteria provided, conflicting classifications (1 of 4 stars). 11 submissions from 9 submitters: Uncertain significance (9); Likely benign (1). 1 of the submissions does not count toward it. Last evaluated 2026-07-29.

Conditions:
Inborn genetic diseases. Identifiers: MedGen C0950123, MeSH D030342.
Meckel syndrome, type 5 (MKS5). Identifiers: Orphanet 564, MedGen C1969052, MONDO:0012695, OMIM 611561.
Joubert syndrome 7 (JBTS7). Identifiers: Orphanet 220497, MedGen C1969053, MONDO:0012694, OMIM 611560.
COACH syndrome 3. Identifiers: MedGen C5436841, MONDO:0030862, OMIM 619113.
RPGRIP1L-related disorder. Also called: RPGRIP1L-related condition; RPGRIP1L-related disorders. Identifiers: MedGen CN239416.
Nephronophthisis 8. Identifiers: MedGen CN119610.
Joubert syndrome. Also called: JOUBERT-BOLTSHAUSER SYNDROME; Familial aplasia of the vermis. Identifiers: Orphanet 475, MedGen C5979921, MONDO:0018772.
Meckel-Gruber syndrome. Also called: DYSENCEPHALIA SPLANCHNOCYSTICA; GRUBER SYNDROME; Dysencephalia splachnocystica. Identifiers: Orphanet 564, MedGen C0265215, MONDO:0018921.

Allele frequency attached by ClinVar (database versions not stated): gnomAD exomes 0.00071 and 0.00023; ESP Exome Variant Server 0.00015; gnomAD 0.00019 and 0.00030; ExAC 0.00027; TOPMed 0.00040.
gnomAD v4.1: 1,056 of 1,610,306 alleles (0.066%); highest among the groups gnomAD compares: Non-Finnish European, 0.086%; 1 homozygote.

Submissions (11):

PreventionGenetics, part of Exact Sciences
Classification: Uncertain significance for RPGRIP1L-related condition. Last evaluated: 2026-07-29. Review status: criteria provided, single submitter. Criteria: ACMG Guidelines, 2015. Collection method: clinical testing. Allele origin: germline.
Comment: The RPGRIP1L c.1682G>A variant is predicted to result in the amino acid substitution p.Arg561His. To our knowledge, this variant has not been reported in the literature. This variant is reported in 0.045% of alleles in individuals of European (Non-Finnish) descent in gnomAD, which may be too frequent to be a primary cause of disease. Although we suspect that this variant may be benign, at this time, the clinical significance of this variant is uncertain due to the absence of conclusive functional and genetic evidence.

GeneDx
Classification: Uncertain significance. Last evaluated: 2025-05-02. Review status: criteria provided, single submitter. Criteria: GeneDx Variant Classification Process June 2021. Collection method: clinical testing. Allele origin: germline. Affected: yes.
Comment: In silico analysis supports that this missense variant has a deleterious effect on protein structure/function; Has not been previously published as pathogenic or benign to our knowledge

Blueprint Genetics
Classification: Uncertain significance. Last evaluated: 2024-11-15. Review status: criteria provided, single submitter. Criteria: ACMG Guidelines, 2015. Collection method: clinical testing. Allele origin: germline.

Fulgent Genetics
Classification: Uncertain significance for Joubert syndrome 7; Meckel syndrome, type 5; COACH syndrome 3. Last evaluated: 2024-05-02. Review status: criteria provided, single submitter. Criteria: ACMG Guidelines, 2015. Collection method: clinical testing. Allele origin: germline.

Labcorp Genetics (formerly Invitae), Labcorp
Classification: Uncertain significance for Joubert syndrome; Meckel-Gruber syndrome. Last evaluated: 2022-09-27. Review status: criteria provided, single submitter. Criteria: Invitae Variant Classification Sherloc (09022015). Collection method: clinical testing. Allele origin: germline.
Comment: This sequence change replaces arginine, which is basic and polar, with histidine, which is basic and polar, at codon 561 of the RPGRIP1L protein (p.Arg561His). This variant is present in population databases (rs147366111, gnomAD 0.04%). This variant has not been reported in the literature in individuals affected with RPGRIP1L-related conditions. ClinVar contains an entry for this variant (Variation ID: 286978). Advanced modeling of protein sequence and biophysical properties (such as structural, functional, and spatial information, amino acid conservation, physicochemical variation, residue mobility, and thermodynamic stability) performed at Invitae indicates that this missense variant is not expected to disrupt RPGRIP1L protein function. In summary, the available evidence is currently insufficient to determine the role of this variant in disease. Therefore, it has been classified as a Variant of Uncertain Significance.

Ambry Genetics
Classification: Likely benign for Inborn genetic diseases. Last evaluated: 2022-04-14. Review status: criteria provided, single submitter. Criteria: Ambry Variant Classification Scheme 2023. Collection method: clinical testing. Allele origin: germline.

Illumina Laboratory Services, Illumina
Classification: Uncertain significance for Joubert syndrome 7. Last evaluated: 2018-01-13. Review status: criteria provided, single submitter. Criteria: ICSL Variant Classification Criteria 13 December 2019. Collection method: clinical testing. Allele origin: germline.

Illumina Laboratory Services, Illumina
Classification: Uncertain significance for Meckel syndrome, type 5. Last evaluated: 2018-01-13. Review status: criteria provided, single submitter. Criteria: ICSL Variant Classification Criteria 13 December 2019. Collection method: clinical testing. Allele origin: germline.

Illumina Laboratory Services, Illumina
Classification: Uncertain significance for Nephronophthisis 8. Last evaluated: 2018-01-13. Review status: criteria provided, single submitter. Criteria: ICSL Variant Classification Criteria 13 December 2019. Collection method: clinical testing. Allele origin: germline.

Eurofins Ntd Llc (ga)
Classification: Uncertain significance. Last evaluated: 2016-04-06. Review status: criteria provided, single submitter. Criteria: EGL Classification Definitions 2015. Collection method: clinical testing. Allele origin: germline. Observed: 1 variant allele, 1 heterozygote.

Natera, Inc.
Classification: Uncertain significance for Joubert syndrome. Last evaluated: 2020-01-24. Review status: no assertion criteria provided. Collection method: clinical testing. Allele origin: germline. Not counted in ClinVar's aggregate classification.

NM_015272.5(RPGRIP1L):c.1682G>A (p.Arg561His)

Gene: RPGRIP1L (RPGRIP1 like; minus strand). Cytogenetic location: 16q12.2.
Variant type: single nucleotide variant.
Coding change: c.1682G>A on transcript NM_015272.5 (MANE Select); coding-DNA position 1682, G replaced by A.
Protein change: p.Arg561His; replaces arginine 561 with histidine.
Molecular consequence: missense variant.
Genome position (GRCh38, 1-based): chr16:53,656,489, C>T on the plus strand (G>A on the coding strand, the complement: RPGRIP1L is on the minus strand). VCF-style: chr16-53656489-C-T. GRCh37 (hg19) VCF-style: chr16-53690401-C-T.
Other names: c.1682G>A, p.Arg561His (NM_001127897.4, NM_001308334.3, NM_001330538.2); c.1682G>A (NM_015272.4); short protein forms R561H.
Identifiers: ClinVar variation 286978 (VCV000286978.24), dbSNP rs147366111, ClinGen allele CA8057737.